The following is an entry in ClinVar:

NM_001958.5(EEF1A2):c.348G>A (p.Val116=)

Gene: EEF1A2 (eukaryotic translation elongation factor 1 alpha 2; minus strand). Cytogenetic location: 20q13.33.
Variant type: single nucleotide variant.
Coding change: c.348G>A on transcript NM_001958.5 (MANE Select); coding-DNA position 348, G replaced by A.
Protein change: p.Val116=; no amino-acid change (valine 116 retained).
Molecular consequence: synonymous variant.
Genome position (GRCh38, 1-based): chr20:63,495,078, C>T on the plus strand (G>A on the coding strand, the complement: EEF1A2 is on the minus strand). VCF-style: chr20-63495078-C-T. GRCh37 (hg19) VCF-style: chr20-62126431-C-T.
Identifiers: ClinVar variation 2652542 (VCV002652542.25), dbSNP rs2145944966, ClinGen allele CA511340295.

ClinVar aggregate classification (germline): Likely benign. Review status: criteria provided, multiple submitters, no conflicts (2 of 4 stars). 2 submissions from 2 submitters: Likely benign (2). Last evaluated 2025-08-10.

Conditions:
Developmental and epileptic encephalopathy, 33 (DEE33). Also called: Epileptic encephalopathy, early infantile, 33. Identifiers: Orphanet 442835, MedGen C4225337, MONDO:0014625, OMIM 616409.

Submissions (2):

Labcorp Genetics (formerly Invitae), Labcorp
Classification: Likely benign for Developmental and epileptic encephalopathy, 33. Last evaluated: 2025-08-10. Review status: criteria provided, single submitter. Criteria: Invitae Variant Classification Sherloc (09022015). Collection method: clinical testing. Allele origin: germline.

CeGaT Center for Human Genetics Tuebingen
Classification: Likely benign. Last evaluated: 2022-09-01. Review status: criteria provided, single submitter. Criteria: CeGaT Center For Human Genetics Tuebingen Variant Classification Criteria Version 2. Collection method: clinical testing. Allele origin: germline. Affected: yes. Observed: 1 variant allele.
Comment: EEF1A2: PM2:Supporting, BP4, BP7